The following is an entry in ClinVar:

NM_001042492.3(NF1):c.2892C>A (p.Thr964=)

Gene: NF1 (neurofibromin 1; plus strand). Cytogenetic location: 17q11.2.
Variant type: single nucleotide variant.
Coding change: c.2892C>A on transcript NM_001042492.3 (MANE Select); coding-DNA position 2892, C replaced by A.
Protein change: p.Thr964=; no amino-acid change (threonine 964 retained).
Molecular consequence: synonymous variant.
Genome position (GRCh38, 1-based): chr17:31,229,876, C>A. VCF-style: chr17-31229876-C-A. GRCh37 (hg19) VCF-style: chr17-29556894-C-A.
Other names: c.2892C>A, p.Thr964= (NM_000267.4).
Identifiers: ClinVar variation 1108977 (VCV001108977.10), dbSNP rs2151430591, ClinGen allele CA499229962.
Genomic context (GRCh38, chr17:31,229,876, plus strand): 5'-GTATTTGTTCTTTCTTTAGGTTTTATTGACTGATACCAATACTCAATTTGTAGAACAAAC[C>A]ATAGCTATAATGAAGAACTTGCTAGATAATCATACTGAAGGCAGCTCTGAACATCTAGGG-3'
Protein context (NP_001035957.1, residues 954-974): TDTNTQFVEQ[Thr964=]IAIMKNLLDN

ClinVar aggregate classification (germline): Benign/Likely benign. Review status: criteria provided, multiple submitters, no conflicts (2 of 4 stars). 4 submissions from 4 submitters: Benign (1); Likely benign (3). Last evaluated 2026-05-18.

Conditions:
Hereditary cancer-predisposing syndrome. Also called: Hereditary Cancer Syndrome; Neoplastic Syndromes, Hereditary; Tumor predisposition; Hereditary neoplastic syndrome. Identifiers: Orphanet 140162, MedGen C0027672, MeSH D009386, MONDO:0015356.
Cardiovascular phenotype. Identifiers: MedGen CN230736.
Neurofibromatosis, type 1 (NF1). Also called: Peripheral type neurofibromatosis; VON RECKLINGHAUSEN DISEASE; Neurofibromatosis, type I; NEUROFIBROMATOSIS, TYPE I, SOMATIC. Identifiers: Orphanet 636, MedGen C0027831, MONDO:0018975, OMIM 162200. Disease mechanism: loss of function.

gnomAD v4.1: 11 of 1,611,712 alleles (0.00068%); highest among the groups gnomAD compares: Non-Finnish European, 0.00093%; no homozygotes.

Submissions (4):

Myriad Genetics, Inc.
Classification: Benign for Neurofibromatosis, type 1. Last evaluated: 2026-05-18. Review status: criteria provided, single submitter. Criteria: Myriad Autosomal Dominant, Autosomal Recessive and X-Linked Classification Criteria (2023). Collection method: clinical testing. Allele origin: unknown.
Comment: This variant is considered benign. This variant is a silent/synonymous amino acid change and it is not expected to impact splicing.

Labcorp Genetics (formerly Invitae), Labcorp
Classification: Likely benign for Neurofibromatosis, type 1. Last evaluated: 2026-01-12. Review status: criteria provided, single submitter. Criteria: Invitae Variant Classification Sherloc (09022015). Collection method: clinical testing. Allele origin: germline.

Ambry Genetics
Classification: Likely benign for Cardiovascular phenotype; Hereditary cancer-predisposing syndrome. Last evaluated: 2024-11-17. Review status: criteria provided, single submitter. Criteria: Ambry Variant Classification Scheme 2023. Collection method: clinical testing. Allele origin: germline.

Blueprint Genetics
Classification: Likely benign. Last evaluated: 2020-11-30. Review status: criteria provided, single submitter. Criteria: ACMG Guidelines, 2015. Collection method: clinical testing. Allele origin: germline.